The following is an entry in ClinVar:

ClinVar aggregate classification (germline): Uncertain significance. Review status: criteria provided, multiple submitters, no conflicts (2 of 4 stars). 2 submissions from 2 submitters: Uncertain significance (2). Last evaluated 2020-08-19.

Conditions:
Ataxia-telangiectasia syndrome (AT). Also called: Ataxia-telangiectasia, complementation group D; AT, COMPLEMENTATION GROUP C; ATAXIA-TELANGIECTASIA, FRESNO VARIANT; ATAXIA-TELANGIECTASIA, COMPLEMENTATION GROUP A; Ataxia-telangiectasia, complementation group E; Ataxia telangiectasia (A-T). Identifiers: Orphanet 100, MedGen C0004135, MONDO:0008840, OMIM 208900.

Submissions (2):

GeneDx
Classification: Uncertain significance. Last evaluated: 2020-08-19. Review status: criteria provided, single submitter. Criteria: GeneDx Variant Classification Process June 2021. Collection method: clinical testing. Allele origin: germline. Affected: yes.
Comment: Not observed in large population cohorts (Lek 2016); In silico analysis supports that this missense variant has a deleterious effect on protein structure/function; Has not been previously published as pathogenic or benign to our knowledge

Labcorp Genetics (formerly Invitae), Labcorp
Classification: Uncertain significance for Ataxia-telangiectasia syndrome. Last evaluated: 2020-01-21. Review status: criteria provided, single submitter. Criteria: Invitae Variant Classification Sherloc (09022015). Collection method: clinical testing. Allele origin: germline.
Comment: In summary, the available evidence is currently insufficient to determine the role of this variant in disease. Therefore, it has been classified as a Variant of Uncertain Significance. Algorithms developed to predict the effect of missense changes on protein structure and function (SIFT, PolyPhen-2, Align-GVGD) all suggest that this variant is likely to be tolerated, but these predictions have not been confirmed by published functional studies and their clinical significance is uncertain. This variant has not been reported in the literature in individuals with ATM-related conditions. This variant is not present in population databases (ExAC no frequency). This sequence change replaces serine with leucine at codon 179 of the ATM protein (p.Ser179Leu). The serine residue is moderately conserved and there is a large physicochemical difference between serine and leucine.

NM_000051.4(ATM):c.536C>T (p.Ser179Leu)

Gene: ATM (ATM serine/threonine kinase; plus strand). Cytogenetic location: 11q22.3.
Variant type: single nucleotide variant.
Coding change: c.536C>T on transcript NM_000051.4 (MANE Select); coding-DNA position 536, C replaced by T.
Protein change: p.Ser179Leu; replaces serine 179 with leucine.
Molecular consequence: missense variant.
Genome position (GRCh38, 1-based): chr11:108,243,992, C>T. VCF-style: chr11-108243992-C-T. GRCh37 (hg19) VCF-style: chr11-108114719-C-T.
Other names: c.536C>T, p.Ser179Leu (NM_001351834.2); short protein forms S179L.
Identifiers: ClinVar variation 999524 (VCV000999524.11), dbSNP rs2079698324, ClinGen allele CA382527625.